The following is an entry in ClinVar:

NM_145038.5(DRC1):c.887del (p.Gln296fs)

Gene: DRC1 (dynein regulatory complex subunit 1; plus strand). Cytogenetic location: 2p23.3.
Variant type: Deletion.
Coding change: c.887del on transcript NM_145038.5 (MANE Select); coding-DNA position 887, one base deleted (A; older notation c.887delA).
Protein change: p.Gln296fs; shifts the reading frame from glutamine 296.
Molecular consequence: frameshift variant.
Genome position (GRCh38, 1-based): chr2:26,432,005, A deleted. VCF-style (leftmost placement, unchanged base first): chr2-26432004-CA-C. GRCh37 (hg19) VCF-style: chr2-26654872-CA-C.
Other names: short protein forms Q296fs.
Identifiers: ClinVar variation 4715779 (VCV004715779.1).

ClinVar aggregate classification (germline): Pathogenic (1 of 4 stars; one submission).

Conditions:
Primary ciliary dyskinesia. Also called: Ciliary dyskinesia. Identifiers: Orphanet 244, MedGen C0008780, MONDO:0016575, HP:0012265.

Submission:

Labcorp Genetics (formerly Invitae), Labcorp
Classification: Pathogenic for Primary ciliary dyskinesia. Last evaluated: 2025-03-26. Review status: criteria provided, single submitter. Criteria: Invitae Variant Classification Sherloc (09022015). Collection method: clinical testing. Allele origin: germline.
Comment: This sequence change creates a premature translational stop signal (p.Gln296Argfs*16) in the DRC1 gene. It is expected to result in an absent or disrupted protein product. Loss-of-function variants in DRC1 are known to be pathogenic (PMID: 23354437, 31960620). This variant is not present in population databases (gnomAD no frequency). This variant has not been reported in the literature in individuals affected with DRC1-related conditions. Algorithms developed to predict the effect of sequence changes on RNA splicing suggest that this variant may disrupt the consensus splice site. For these reasons, this variant has been classified as Pathogenic.

Literature cited by the submitters: PubMed 23354437; PubMed 31960620.